The following is an entry in ClinVar:

ClinVar aggregate classification (germline): Uncertain significance. Review status: criteria provided, multiple submitters, no conflicts (2 of 4 stars). 2 submissions from 2 submitters: Uncertain significance (2). Last evaluated 2022-07-22.

Conditions:
Developmental delay, hypotonia, musculoskeletal defects, and behavioral abnormalities. Identifiers: MedGen C5562012, MONDO:0859202, OMIM 619595.
Floating-Harbor syndrome (FLHS). Also called: SRCAP-Related Floating-Harbor Syndrome; Short stature with delayed bone age, expressive language delay, a triangular face with a prominent nose and deep-set eyes; Pelletier-Leisti syndrome. Identifiers: Orphanet 2044, MedGen C0729582, MONDO:0007621, OMIM 136140.

Allele frequency attached by ClinVar (database versions not stated): gnomAD exomes below 0.00001; ExAC 0.00002.
gnomAD v4.1: 5 of 1,614,054 alleles (0.00031%); highest among the groups gnomAD compares: Admixed American, 0.005%; no homozygotes.

Submissions (2):

Labcorp Genetics (formerly Invitae), Labcorp
Classification: Uncertain significance. Last evaluated: 2022-07-22. Review status: criteria provided, single submitter. Criteria: Invitae Variant Classification Sherloc (09022015). Collection method: clinical testing. Allele origin: germline.
Comment: This sequence change replaces lysine, which is basic and polar, with arginine, which is basic and polar, at codon 597 of the SRCAP protein (p.Lys597Arg). In summary, the available evidence is currently insufficient to determine the role of this variant in disease. Therefore, it has been classified as a Variant of Uncertain Significance. Algorithms developed to predict the effect of missense changes on protein structure and function are either unavailable or do not agree on the potential impact of this missense change (SIFT: "Deleterious"; PolyPhen-2: "Not Available"; Align-GVGD: "Class C25"). This variant has not been reported in the literature in individuals affected with SRCAP-related conditions. This variant is present in population databases (rs746246868, gnomAD 0.006%).

Juno Genomics, Hangzhou Juno Genomics, Inc
Classification: Uncertain significance for Developmental delay, hypotonia, musculoskeletal defects, and behavioral abnormalities; Floating-Harbor syndrome. Review status: criteria provided, single submitter. Criteria: ACMG Guidelines, 2015. Collection method: clinical testing. Allele origin: germline.
Comment: Absent from controls (or at extremely low frequency if recessive) in Genome Aggregation Database.;Multiple lines of computational evidence support a deleterious effect on the gene or gene product.;Missense variant in a gene that has a low rate of benign missense variation.

NM_006662.3(SRCAP):c.1790A>G (p.Lys597Arg)

Gene: SRCAP (Snf2 related CREBBP activator protein; plus strand). Cytogenetic location: 16p11.2.
Variant type: single nucleotide variant.
Coding change: c.1790A>G on transcript NM_006662.3 (MANE Select); coding-DNA position 1790, A replaced by G.
Protein change: p.Lys597Arg; replaces lysine 597 with arginine.
Molecular consequence: missense variant.
Genome position (GRCh38, 1-based): chr16:30,712,132, A>G. VCF-style: chr16-30712132-A-G. GRCh37 (hg19) VCF-style: chr16-30723453-A-G.
Other names: short protein forms K597R.
Identifiers: ClinVar variation 2083149 (VCV002083149.6), dbSNP rs746246868, ClinGen allele CA8011057.
Genomic context (GRCh38, chr16:30,712,132, plus strand): 5'-CTCTAGGTCCAAAGAAAGAAATTACTGACATTGCTGCAGCAGCTGAAAGTCTCCAGCCCA[A>G]GGGTTACACGCTGGCCACGACCCAGGTATCCCCAGGTTCTGGCCTCTCCTTTCTCATGTC-3'
Protein context (NP_006653.2, residues 587-607): IAAAAESLQP[Lys597Arg]GYTLATTQVK